The following is an entry in ClinVar:

NM_014249.4(NR2E3):c.953C>A (p.Thr318Lys)

Gene: NR2E3 (nuclear receptor subfamily 2 group E member 3; plus strand). Cytogenetic location: 15q23.
Variant type: single nucleotide variant.
Coding change: c.953C>A on transcript NM_014249.4 (MANE Select); coding-DNA position 953, C replaced by A.
Protein change: p.Thr318Lys; replaces threonine 318 with lysine.
Molecular consequence: missense variant.
Genome position (GRCh38, 1-based): chr15:71,813,594, C>A. VCF-style: chr15-71813594-C-A. GRCh37 (hg19) VCF-style: chr15-72105935-C-A.
Other names: c.953C>A, p.Thr318Lys (NM_016346.4); short protein forms T318K.
Identifiers: ClinVar variation 2185293 (VCV002185293.4), dbSNP rs755224888, ClinGen allele CA393037765.

ClinVar aggregate classification (germline): Uncertain significance (1 of 4 stars; one submission).

Submission:

Labcorp Genetics (formerly Invitae), Labcorp
Classification: Uncertain significance. Last evaluated: 2024-10-28. Review status: criteria provided, single submitter. Criteria: Invitae Variant Classification Sherloc (09022015). Collection method: clinical testing. Allele origin: germline.
Comment: This sequence change replaces threonine, which is neutral and polar, with lysine, which is basic and polar, at codon 318 of the NR2E3 protein (p.Thr318Lys). This variant is not present in population databases (gnomAD no frequency). This variant has not been reported in the literature in individuals affected with NR2E3-related conditions. ClinVar contains an entry for this variant (Variation ID: 2185293). Invitae Evidence Modeling of protein sequence and biophysical properties (such as structural, functional, and spatial information, amino acid conservation, physicochemical variation, residue mobility, and thermodynamic stability) indicates that this missense variant is not expected to disrupt NR2E3 protein function with a negative predictive value of 80%. In summary, the available evidence is currently insufficient to determine the role of this variant in disease. Therefore, it has been classified as a Variant of Uncertain Significance.